The following is an entry in ClinVar:

NM_005198.5(CHKB):c.1121C>T (p.Ala374Val)

Genes: CHKB (choline kinase beta; minus strand), CHKB-CPT1B (CHKB-CPT1B readthrough (NMD candidate); minus strand). Cytogenetic location: 22q13.33.
Variant type: single nucleotide variant.
Coding change: c.1121C>T on transcript NM_005198.5 (MANE Select); coding-DNA position 1121, C replaced by T.
Protein change: p.Ala374Val; replaces alanine 374 with valine.
Molecular consequence: missense variant. On other transcripts: non-coding transcript variant (1).
Genome position (GRCh38, 1-based): chr22:50,579,248, G>A on the plus strand (C>T on the coding strand, the complement: CHKB is on the minus strand). VCF-style: chr22-50579248-G-A. GRCh37 (hg19) VCF-style: chr22-51017677-G-A.
Other names: short protein forms A374V.
Identifiers: ClinVar variation 844986 (VCV000844986.9), dbSNP rs751958642, ClinGen allele CA10323468.

ClinVar aggregate classification (germline): Uncertain significance (1 of 4 stars; one submission).

Conditions:
Megaconial type congenital muscular dystrophy (MDCMC). Also called: CHKB-Related Muscular Dystrophy; CHKB-Related Muscle Diseases; MUSCULAR DYSTROPHY, CONGENITAL, WITH MITOCHONDRIAL STRUCTURAL ABNORMALITIES. Identifiers: Orphanet 280671, MedGen C1865233, MONDO:0011246, OMIM 602541.

Allele frequency attached by ClinVar (database versions not stated): gnomAD exomes below 0.00001; ExAC 0.00001.

Submission:

Labcorp Genetics (formerly Invitae), Labcorp
Classification: Uncertain significance for Megaconial type congenital muscular dystrophy. Last evaluated: 2019-12-04. Review status: criteria provided, single submitter. Criteria: Invitae Variant Classification Sherloc (09022015). Collection method: clinical testing. Allele origin: germline.
Comment: In summary, the available evidence is currently insufficient to determine the role of this variant in disease. Therefore, it has been classified as a Variant of Uncertain Significance. Algorithms developed to predict the effect of missense changes on protein structure and function are either unavailable or do not agree on the potential impact of this missense change (SIFT: "Deleterious"; PolyPhen-2: "Possibly Damaging"; Align-GVGD: "Class C0"). This variant has not been reported in the literature in individuals with CHKB-related conditions. This variant is present in population databases (rs751958642, ExAC 0.002%). This sequence change replaces alanine with valine at codon 374 of the CHKB protein (p.Ala374Val). The alanine residue is moderately conserved and there is a small physicochemical difference between alanine and valine.